The following is an entry in ClinVar:

ClinVar aggregate classification (germline): Uncertain significance. Review status: criteria provided, multiple submitters, no conflicts (2 of 4 stars). 2 submissions from 2 submitters: Uncertain significance (2). Last evaluated 2026-03-01.

Conditions:
Inborn genetic diseases. Identifiers: MedGen C0950123, MeSH D030342.

Submissions (2):

CeGaT Center for Human Genetics Tuebingen
Classification: Uncertain significance. Last evaluated: 2026-03-01. Review status: criteria provided, single submitter. Criteria: CeGaT Center For Human Genetics Tuebingen Variant Classification Criteria Version 2. Collection method: clinical testing. Allele origin: germline. Affected: yes. Observed: 1 variant allele.
Comment: FAT1: PM2, BP4

Ambry Genetics
Classification: Uncertain significance for Inborn genetic diseases. Last evaluated: 2024-11-13. Review status: criteria provided, single submitter. Criteria: Ambry Variant Classification Scheme 2023. Collection method: clinical testing. Allele origin: germline.

NM_005245.4(FAT1):c.6368A>T (p.His2123Leu)

Gene: FAT1 (FAT atypical cadherin 1; minus strand). Cytogenetic location: 4q35.2.
Variant type: single nucleotide variant.
Coding change: c.6368A>T on transcript NM_005245.4 (MANE Select); coding-DNA position 6368, A replaced by T.
Protein change: p.His2123Leu; replaces histidine 2123 with leucine.
Molecular consequence: missense variant.
Genome position (GRCh38, 1-based): chr4:186,620,218, T>A on the plus strand (A>T on the coding strand, the complement: FAT1 is on the minus strand). VCF-style: chr4-186620218-T-A. GRCh37 (hg19) VCF-style: chr4-187541372-T-A.
Other names: short protein forms H2123L.
Identifiers: ClinVar variation 3513216 (VCV003513216.5).